The following is an entry in ClinVar:

NM_152383.5(DIS3L2):c.1718A>G (p.Tyr573Cys)

Gene: DIS3L2 (DIS3 like 3'-5' exoribonuclease 2; plus strand). Cytogenetic location: 2q37.1.
Variant type: single nucleotide variant.
Coding change: c.1718A>G on transcript NM_152383.5 (MANE Select); coding-DNA position 1718, A replaced by G.
Protein change: p.Tyr573Cys; replaces tyrosine 573 with cysteine.
Molecular consequence: missense variant. On other transcripts: non-coding transcript variant (2), intron variant (1).
Genome position (GRCh38, 1-based): chr2:232,300,098, A>G. VCF-style: chr2-232300098-A-G. GRCh37 (hg19) VCF-style: chr2-233164808-A-G.
Other names: c.1581+36736A>G (NM_001257281.2); short protein forms Y573C.
Identifiers: ClinVar variation 2731789 (VCV002731789.3), dbSNP rs1559200124, ClinGen allele CA350978673.

ClinVar aggregate classification (germline): Uncertain significance (1 of 4 stars; one submission).

Conditions:
Perlman syndrome (PRLMNS). Identifiers: Orphanet 2849, MedGen C0796113, MONDO:0009965, OMIM 267000.

gnomAD v4.1: 1 of 1,613,838 alleles (0.000062%); highest among the groups gnomAD compares: Non-Finnish European, 0.000085%; no homozygotes.

Submission:

Labcorp Genetics (formerly Invitae), Labcorp
Classification: Uncertain significance for Perlman syndrome. Last evaluated: 2023-08-16. Review status: criteria provided, single submitter. Criteria: Invitae Variant Classification Sherloc (09022015). Collection method: clinical testing. Allele origin: germline.
Comment: Algorithms developed to predict the effect of sequence changes on RNA splicing suggest that this variant may disrupt the consensus splice site. In summary, the available evidence is currently insufficient to determine the role of this variant in disease. Therefore, it has been classified as a Variant of Uncertain Significance. Advanced modeling of protein sequence and biophysical properties (such as structural, functional, and spatial information, amino acid conservation, physicochemical variation, residue mobility, and thermodynamic stability) performed at Invitae indicates that this missense variant is expected to disrupt DIS3L2 protein function. This variant has not been reported in the literature in individuals affected with DIS3L2-related conditions. This variant is not present in population databases (gnomAD no frequency). This sequence change replaces tyrosine, which is neutral and polar, with cysteine, which is neutral and slightly polar, at codon 573 of the DIS3L2 protein (p.Tyr573Cys).